The following is an entry in ClinVar:

NM_007294.4(BRCA1):c.4357+2723C>G

Gene: BRCA1 (BRCA1 DNA repair associated; minus strand). Cytogenetic location: 17q21.31.
Variant type: single nucleotide variant.
Coding change: c.4357+2723C>G on transcript NM_007294.4 (MANE Select); 2723 bases into the intron after coding-DNA position 4357, C replaced by G.
Molecular consequence: intron variant.
Genome position (GRCh38, 1-based): chr17:43,079,681, G>C on the plus strand (C>G on the coding strand, the complement: BRCA1 is on the minus strand). VCF-style: chr17-43079681-G-C. GRCh37 (hg19) VCF-style: chr17-41231698-G-C.
Other names: IVS 13+2723C>G; c.847+2723C>G (NM_001408476.1, NM_001408474.1); c.4156+2723C>G (NM_001407862.1); c.971-282C>G (NM_001408409.1); c.4276+2723C>G (NM_001407663.1, NM_001407662.1, NM_001407656.1 and 1 more transcripts); c.4279+2723C>G (NM_001407658.1, NM_001407653.1, NM_001407655.1 and 2 more transcripts); c.4021+2723C>G (NM_001407958.1, NM_001407955.1, NM_001407954.1 and 3 more transcripts); c.835+2723C>G (NM_001408493.1, NM_001408490.1, NM_001408489.1 and 3 more transcripts); and 61 more.
Identifiers: ClinVar variation 209400 (VCV000209400.4), dbSNP rs8176192, ClinGen allele CA276372.

ClinVar aggregate classification (germline): Benign. Review status: reviewed by expert panel (3 of 4 stars). 3 submissions from 3 submitters: Benign (1). 2 of the submissions do not count toward it. Last evaluated 2015-01-12.

Conditions:
Breast-ovarian cancer, familial, susceptibility to, 1 (BROVCA1). Also called: BRCA1 Hereditary Breast and Ovarian Cancer; OVARIAN CANCER, SUSCEPTIBILITY TO. Identifiers: Orphanet 145, MedGen C2676676, MONDO:0011450, OMIM 604370. Disease mechanism: loss of function.

Allele frequency attached by ClinVar (database versions not stated): gnomAD exomes 0.02294; gnomAD 0.13620 and 0.14441; 1000 Genomes Project 0.14876; TOPMed 0.15250; 1000 Genomes Project 30x 0.15631.
gnomAD v4.1: 41,633 of 1,039,556 alleles (4%); highest among the groups gnomAD compares: African/African-American, 46%; 7,085 homozygotes.

Submissions (3):

Evidence-based Network for the Interpretation of Germline Mutant Alleles (ENIGMA)
Classification: Benign for Breast-ovarian cancer, familial 1. Last evaluated: 2015-01-12. Review status: reviewed by expert panel. Criteria: ENIGMA BRCA1/2 Classification Criteria (2015). Collection method: curation. Allele origin: germline.
Comment: Class 1 not pathogenic based on frequency >1% in an outbred sampleset. Frequency 0.5 (African), derived from 1000 genomes (2012-04-30).

GeneDx
Classification: Benign. Last evaluated: 2018-06-23. Review status: criteria provided, single submitter. Criteria: GeneDx Variant Classification Process June 2021. Collection method: clinical testing. Allele origin: germline. Affected: yes. Not counted in ClinVar's aggregate classification.

Breakthrough Genomics
Classification: Benign. Review status: criteria provided, single submitter. Criteria: ACMG Guidelines, 2015. Collection method: not provided. Allele origin: germline. Inheritance: Autosomal recessive inheritance. Affected: yes. Not counted in ClinVar's aggregate classification.